The following is an entry in ClinVar:

ClinVar aggregate classification (germline): Uncertain significance. Review status: criteria provided, multiple submitters, no conflicts (2 of 4 stars). 2 submissions from 2 submitters: Uncertain significance (2). Last evaluated 2024-04-15.

Conditions:
Autosomal recessive limb-girdle muscular dystrophy type 2Q (LGMDR17). Also called: MUSCULAR DYSTROPHY, LIMB-GIRDLE, AUTOSOMAL RECESSIVE 17. Identifiers: Orphanet 254361, MedGen C3150989, MONDO:0013390, OMIM 613723.
Epidermolysis bullosa simplex 5B, with muscular dystrophy (EBS5B). Also called: EPIDERMOLYSIS BULLOSA SIMPLEX AND LIMB-GIRDLE MUSCULAR DYSTROPHY; Epidermolysis bullosa simplex with muscular dystrophy. Identifiers: Orphanet 257, MedGen C2931072, MONDO:0009181, OMIM 226670.
Epidermolysis bullosa simplex, Ogna type (EBS5A). Also called: Pidermolysis bullosa simplex 5A, Ogna type; EPIDERMOLYSIS BULLOSA SIMPLEX 5A, OGNA TYPE. Identifiers: Orphanet 79401, MedGen C0432317, MONDO:0007555, OMIM 131950.
Epidermolysis bullosa simplex 5C, with pyloric atresia (EBS5C). Also called: PLEC-Related Epidermolysis Bullosa with Pyloric Atresia; Epidermolysis bullosa simplex with pyloric atresia; PLEC1-Related Epidermolysis Bullosa with Pyloric Atresia. Identifiers: Orphanet 158684, MedGen C2677349, MONDO:0012807, OMIM 612138.
Epidermolysis bullosa simplex with nail dystrophy (EBS5D). Identifiers: MedGen C4225309, MONDO:0014661, OMIM 616487.
Inborn genetic diseases. Identifiers: MedGen C0950123, MeSH D030342.

Allele frequency attached by ClinVar (database versions not stated): TOPMed 0.00008.
gnomAD v4.1: 52 of 1,603,338 alleles (0.0032%); highest among the groups gnomAD compares: East Asian, 0.053%; no homozygotes.

Submissions (2):

Labcorp Genetics (formerly Invitae), Labcorp
Classification: Uncertain significance for Autosomal recessive limb-girdle muscular dystrophy type 2Q; Epidermolysis bullosa simplex, Ogna type; Epidermolysis bullosa simplex with nail dystrophy; Epidermolysis bullosa simplex 5C, with pyloric atresia; Epidermolysis bullosa simplex 5B, with muscular dystrophy. Last evaluated: 2024-04-15. Review status: criteria provided, single submitter. Criteria: Invitae Variant Classification Sherloc (09022015). Collection method: clinical testing. Allele origin: germline.
Comment: This sequence change replaces valine, which is neutral and non-polar, with methionine, which is neutral and non-polar, at codon 2262 of the PLEC protein (p.Val2262Met). This variant is present in population databases (rs782255133, gnomAD 0.05%). This variant has not been reported in the literature in individuals affected with PLEC-related conditions. ClinVar contains an entry for this variant (Variation ID: 581519). An algorithm developed to predict the effect of missense changes on protein structure and function (PolyPhen-2) suggests that this variant is likely to be disruptive. In summary, the available evidence is currently insufficient to determine the role of this variant in disease. Therefore, it has been classified as a Variant of Uncertain Significance.

Ambry Genetics
Classification: Uncertain significance for Inborn genetic diseases. Last evaluated: 2021-08-13. Review status: criteria provided, single submitter. Criteria: Ambry Variant Classification Scheme 2023. Collection method: clinical testing. Allele origin: germline.

NM_201384.3(PLEC):c.6703G>A (p.Val2235Met)

Gene: PLEC (plectin; minus strand). Cytogenetic location: 8q24.3.
Variant type: single nucleotide variant.
Coding change: c.6703G>A on transcript NM_201384.3 (MANE Select); coding-DNA position 6703, G replaced by A.
Protein change: p.Val2235Met; replaces valine 2235 with methionine.
Molecular consequence: missense variant.
Genome position (GRCh38, 1-based): chr8:143,923,226, C>T on the plus strand (G>A on the coding strand, the complement: PLEC is on the minus strand). VCF-style: chr8-143923226-C-T. GRCh37 (hg19) VCF-style: chr8-144997394-C-T.
Other names: c.6784G>A (NM_000445.3); c.6784G>A, p.Val2262Met (NM_000445.5); c.6661G>A, p.Val2221Met (NM_201378.4); c.6637G>A, p.Val2213Met (NM_201379.3); c.7114G>A, p.Val2372Met (NM_201380.4); c.6607G>A, p.Val2203Met (NM_201381.3); c.6703G>A, p.Val2235Met (NM_201382.4); c.6715G>A, p.Val2239Met (NM_201383.3); short protein forms V2221M, V2235M, V2239M, V2203M, V2372M, V2213M, V2262M.
Identifiers: ClinVar variation 581519 (VCV000581519.9), dbSNP rs782255133, ClinGen allele CA4925890.
Genomic context (GRCh38, chr8:143,923,226, plus strand): 5'-TGAGTGCGCGGTTCTCAGCCTCGATGCGTGCCTTGAGCTTGCTCAGCTCCTCCATCTGCA[C>T]GCGCACCGAGAAGAGCTCCTCCTCCACCTGGCTGCGCTGGCGTGCGGCCTCCGTGGCCTC-3'
Protein context (NP_958786.1, residues 2225-2245): QVEEELFSVR[Val2235Met]QMEELSKLKA